The following is an entry in ClinVar:

ClinVar aggregate classification (germline): Uncertain significance (1 of 4 stars; one submission).

gnomAD v4.1: 1 of 1,613,928 alleles (0.000062%); highest among the groups gnomAD compares: Non-Finnish European, 0.000085%; no homozygotes.

Submission:

Labcorp Genetics (formerly Invitae), Labcorp
Classification: Uncertain significance. Last evaluated: 2025-03-11. Review status: criteria provided, single submitter. Criteria: Invitae Variant Classification Sherloc (09022015). Collection method: clinical testing. Allele origin: germline.
Comment: This sequence change replaces threonine, which is neutral and polar, with serine, which is neutral and polar, at codon 68 of the POLD2 protein (p.Thr68Ser). This variant is not present in population databases (gnomAD no frequency). This variant has not been reported in the literature in individuals affected with POLD2-related conditions. An algorithm developed to predict the effect of missense changes on protein structure and function outputs the following: PolyPhen-2: "Not Available". The serine amino acid residue is found in multiple mammalian species, which suggests that this missense change does not adversely affect protein function. In summary, the available evidence is currently insufficient to determine the role of this variant in disease. Therefore, it has been classified as a Variant of Uncertain Significance.

NM_006230.4(POLD2):c.98C>G (p.Thr33Ser)

Gene: POLD2 (DNA polymerase delta 2, accessory subunit; minus strand). Cytogenetic location: 7p13.
Variant type: single nucleotide variant.
Coding change: c.98C>G on transcript NM_006230.4 (MANE Select); coding-DNA position 98, C replaced by G.
Protein change: p.Thr33Ser; replaces threonine 33 with serine.
Molecular consequence: missense variant.
Genome position (GRCh38, 1-based): chr7:44,121,956, G>C on the plus strand (C>G on the coding strand, the complement: POLD2 is on the minus strand). VCF-style: chr7-44121956-G-C. GRCh37 (hg19) VCF-style: chr7-44161555-G-C.
Other names: c.98C>G, p.Thr33Ser (NM_001127218.3, NM_001256879.2); short protein forms T33S.
Identifiers: ClinVar variation 4806554 (VCV004806554.1).